The following is an entry in ClinVar:

NM_005612.5(REST):c.2677C>T (p.Pro893Ser)

Gene: REST (RE1 silencing transcription factor; plus strand). Cytogenetic location: 4q12.
Variant type: single nucleotide variant.
Coding change: c.2677C>T on transcript NM_005612.5 (MANE Select); coding-DNA position 2677, C replaced by T.
Protein change: p.Pro893Ser; replaces proline 893 with serine.
Molecular consequence: missense variant.
Genome position (GRCh38, 1-based): chr4:56,931,535, C>T. VCF-style: chr4-56931535-C-T. GRCh37 (hg19) VCF-style: chr4-57797701-C-T.
Other names: c.2677C>T, p.Pro893Ser (NM_001193508.2, NM_001363453.3); short protein forms P893S.
Identifiers: ClinVar variation 2906966 (VCV002906966.3), dbSNP rs749471105, ClinGen allele CA2932530.
Genomic context (GRCh38, chr4:56,931,535, plus strand): 5'-AGAGAAGAGGCATCAGGAGACCAAAAATTACTCAACACAGGTGAAGGAAATAAAGAAGCC[C>T]CTCTTCAGAAAGTAGGAGCAGAAGAGGCAGATGAGAGCCTACCTGGTCTTGCTGCTAATA-3'
Protein context (NP_005603.3, residues 883-903): LNTGEGNKEA[Pro893Ser]LQKVGAEEAD

ClinVar aggregate classification (germline): Uncertain significance (1 of 4 stars; one submission).

Allele frequency attached by ClinVar (database versions not stated): ExAC 0.00002.
gnomAD v4.1: 5 of 1,614,036 alleles (0.00031%); highest among the groups gnomAD compares: Admixed American, 0.0083%; no homozygotes.

Submission:

Labcorp Genetics (formerly Invitae), Labcorp
Classification: Uncertain significance. Last evaluated: 2023-09-01. Review status: criteria provided, single submitter. Criteria: Invitae Variant Classification Sherloc (09022015). Collection method: clinical testing. Allele origin: germline.
Comment: In summary, the available evidence is currently insufficient to determine the role of this variant in disease. Therefore, it has been classified as a Variant of Uncertain Significance. Algorithms developed to predict the effect of missense changes on protein structure and function output the following: SIFT: "Not Available"; PolyPhen-2: "Benign"; Align-GVGD: "Not Available". The serine amino acid residue is found in multiple mammalian species, which suggests that this missense change does not adversely affect protein function. This variant has not been reported in the literature in individuals affected with REST-related conditions. This variant is present in population databases (rs749471105, gnomAD 0.01%). This sequence change replaces proline, which is neutral and non-polar, with serine, which is neutral and polar, at codon 893 of the REST protein (p.Pro893Ser).